The following is an entry in ClinVar:

ClinVar aggregate classification (germline): Likely benign (1 of 4 stars; one submission).

Allele frequency attached by ClinVar (database versions not stated): TOPMed below 0.00001.

Submission:

GeneDx
Classification: Likely benign. Last evaluated: 2016-02-11. Review status: criteria provided, single submitter. Criteria: GeneDx Variant Classification (06012015). Collection method: clinical testing. Allele origin: germline. Affected: yes.
Comment: This variant is considered likely benign or benign based on one or more of the following criteria: it is a conservative change, it occurs at a poorly conserved position in the protein, it is predicted to be benign by multiple in silico algorithms, and/or has population frequency not consistent with disease.

NM_002454.3(MTRR):c.1006A>G (p.Lys336Glu)

Gene: MTRR (5-methyltetrahydrofolate-homocysteine methyltransferase reductase; plus strand). Cytogenetic location: 5p15.31.
Variant type: single nucleotide variant.
Coding change: c.1006A>G on transcript NM_002454.3 (MANE Select); coding-DNA position 1006, A replaced by G.
Protein change: p.Lys336Glu; replaces lysine 336 with glutamic acid.
Molecular consequence: missense variant. On other transcripts: non-coding transcript variant (14).
Genome position (GRCh38, 1-based): chr5:7,885,803, A>G. VCF-style: chr5-7885803-A-G. GRCh37 (hg19) VCF-style: chr5-7885916-A-G.
Other names: c.1006A>G, p.Lys336Glu (NM_001364440.2, NM_001364441.2, NM_001364442.2 and 1 more transcripts); short protein forms K336E.
Identifiers: ClinVar variation 382963 (VCV000382963.1), dbSNP rs1057521495, ClinGen allele CA16604983.